The following is an entry in ClinVar:

ClinVar aggregate classification (germline): Uncertain significance. Review status: criteria provided, multiple submitters, no conflicts (2 of 4 stars). 2 submissions from 2 submitters: Uncertain significance (2). Last evaluated 2026-03-18.

Conditions:
Combined oxidative phosphorylation defect type 17. Also called: Combined oxidative phosphorylation deficiency 17. Identifiers: Orphanet 369913, MedGen C3809526, MONDO:0014190, OMIM 615440.
ELAC2-related disorder. Also called: ELAC2-related condition.

Allele frequency attached by ClinVar (database versions not stated): gnomAD 0.00001; TOPMed 0.00001; gnomAD exomes 0.00003.
gnomAD v4.1: 35 of 1,541,084 alleles (0.0023%); highest among the groups gnomAD compares: Non-Finnish European, 0.0031%; no homozygotes.

Submissions (2):

PreventionGenetics, part of Exact Sciences
Classification: Uncertain significance for ELAC2-related condition. Last evaluated: 2026-03-18. Review status: criteria provided, single submitter. Criteria: ACMG Guidelines, 2015. Collection method: clinical testing. Allele origin: germline.
Comment: The ELAC2 c.38G>A variant is predicted to result in the amino acid substitution p.Gly13Glu. To our knowledge, this variant has not been reported in the literature. This variant is reported in 0.0020% of alleles in individuals of European (Non-Finnish) descent in gnomAD. At this time, the clinical significance of this variant is uncertain due to the absence of conclusive functional and genetic evidence.

Labcorp Genetics (formerly Invitae), Labcorp
Classification: Uncertain significance for Combined oxidative phosphorylation defect type 17. Last evaluated: 2022-07-06. Review status: criteria provided, single submitter. Criteria: Invitae Variant Classification Sherloc (09022015). Collection method: clinical testing. Allele origin: germline.
Comment: This sequence change replaces glycine, which is neutral and non-polar, with glutamic acid, which is acidic and polar, at codon 13 of the ELAC2 protein (p.Gly13Glu). The frequency data for this variant in the population databases is considered unreliable, as metrics indicate poor data quality at this position in the gnomAD database. This variant has not been reported in the literature in individuals affected with ELAC2-related conditions. Algorithms developed to predict the effect of missense changes on protein structure and function (SIFT, PolyPhen-2, Align-GVGD) all suggest that this variant is likely to be tolerated. In summary, the available evidence is currently insufficient to determine the role of this variant in disease. Therefore, it has been classified as a Variant of Uncertain Significance.

NM_018127.7(ELAC2):c.38G>A (p.Gly13Glu)

Gene: ELAC2 (elaC ribonuclease Z 2; minus strand). Cytogenetic location: 17p12.
Variant type: single nucleotide variant.
Coding change: c.38G>A on transcript NM_018127.7 (MANE Select); coding-DNA position 38, G replaced by A.
Protein change: p.Gly13Glu; replaces glycine 13 with glutamic acid.
Molecular consequence: missense variant.
Genome position (GRCh38, 1-based): chr17:13,017,910, C>T on the plus strand (G>A on the coding strand, the complement: ELAC2 is on the minus strand). VCF-style: chr17-13017910-C-T. GRCh37 (hg19) VCF-style: chr17-12921227-C-T.
Other names: c.38G>A (NM_018127.6); c.38G>A, p.Gly13Glu (NM_001165962.2, NM_173717.2); short protein forms G13E.
Identifiers: ClinVar variation 2428013 (VCV002428013.4), dbSNP rs1455825268, ClinGen allele CA398219419.